The following is an entry in ClinVar:

NM_006922.4(SCN3A):c.4400T>A (p.Ile1467Asn)

Gene: SCN3A (sodium voltage-gated channel alpha subunit 3; minus strand). Cytogenetic location: 2q24.3.
Variant type: single nucleotide variant.
Coding change: c.4400T>A on transcript NM_006922.4 (MANE Select); coding-DNA position 4400, T replaced by A.
Protein change: p.Ile1467Asn; replaces isoleucine 1467 with asparagine.
Molecular consequence: missense variant.
Genome position (GRCh38, 1-based): chr2:165,095,542, A>T on the plus strand (T>A on the coding strand, the complement: SCN3A is on the minus strand). VCF-style: chr2-165095542-A-T. GRCh37 (hg19) VCF-style: chr2-165952052-A-T.
Other names: c.4253T>A, p.Ile1418Asn (NM_001081676.2, NM_001081677.2); short protein forms I1467N, I1418N.
Identifiers: ClinVar variation 2726751 (VCV002726751.3), dbSNP rs2468059816, ClinGen allele CA349023122.

ClinVar aggregate classification (germline): Uncertain significance (1 of 4 stars; one submission).

Submission:

Labcorp Genetics (formerly Invitae), Labcorp
Classification: Uncertain significance. Last evaluated: 2023-06-23. Review status: criteria provided, single submitter. Criteria: Invitae Variant Classification Sherloc (09022015). Collection method: clinical testing. Allele origin: germline.
Comment: This sequence change replaces isoleucine, which is neutral and non-polar, with asparagine, which is neutral and polar, at codon 1467 of the SCN3A protein (p.Ile1467Asn). Advanced modeling of protein sequence and biophysical properties (such as structural, functional, and spatial information, amino acid conservation, physicochemical variation, residue mobility, and thermodynamic stability) performed at Invitae indicates that this missense variant is expected to disrupt SCN3A protein function. In summary, the available evidence is currently insufficient to determine the role of this variant in disease. Therefore, it has been classified as a Variant of Uncertain Significance. This variant has not been reported in the literature in individuals affected with SCN3A-related conditions. This variant is not present in population databases (gnomAD no frequency).